The following is an entry in ClinVar:

ClinVar aggregate classification (germline): Pathogenic. Review status: criteria provided, multiple submitters, no conflicts (2 of 4 stars). 5 submissions from 5 submitters: Pathogenic (4). 1 of the submissions does not count toward it. Last evaluated 2025-04-07.

Conditions:
Hereditary cancer-predisposing syndrome. Also called: Tumor predisposition; Hereditary Cancer Syndrome; Hereditary neoplastic syndrome; Neoplastic Syndromes, Hereditary. Identifiers: Orphanet 140162, MedGen C0027672, MeSH D009386, MONDO:0015356.
Familial cancer of breast. Also called: hereditary breast carcinoma; BREAST CANCER, FAMILIAL; Hereditary breast cancer. Identifiers: Orphanet 227535, MedGen C0346153, MONDO:0016419, OMIM 114480. Disease mechanism: loss of function.

Allele frequency attached by ClinVar (database versions not stated): TOPMed 0.00001.

Submissions (5):

Labcorp Genetics (formerly Invitae), Labcorp
Classification: Pathogenic for Familial cancer of breast. Last evaluated: 2025-04-07. Review status: criteria provided, single submitter. Criteria: Invitae Variant Classification Sherloc (09022015). Collection method: clinical testing. Allele origin: germline.
Comment: This sequence change creates a premature translational stop signal (p.Ile160*) in the CHEK2 gene. It is expected to result in an absent or disrupted protein product. Loss-of-function variants in CHEK2 are known to be pathogenic (PMID: 21876083, 24713400). This variant is not present in population databases (gnomAD no frequency). This variant has not been reported in the literature in individuals affected with CHEK2-related conditions. ClinVar contains an entry for this variant (Variation ID: 486838). For these reasons, this variant has been classified as Pathogenic.

Ambry Genetics
Classification: Pathogenic for Hereditary cancer-predisposing syndrome. Last evaluated: 2024-04-29. Review status: criteria provided, single submitter. Criteria: Ambry Variant Classification Scheme 2023. Collection method: clinical testing. Allele origin: germline.
Comment: The c.478delA pathogenic mutation, located in coding exon 3 of the CHEK2 gene, results from a deletion of one nucleotide at nucleotide position 478. This changes the amino acid at codon 160 from a isoleucine to a stop codon within coding exon 3 (p.I160*). This alteration is expected to result in loss of function by premature protein truncation or nonsense-mediated mRNA decay. This variant is considered to be rare based on population cohorts in the Genome Aggregation Database (gnomAD). As such, this alteration is interpreted as a disease-causing mutation.

Myriad Genetics, Inc.
Classification: Pathogenic for Familial cancer of breast. Last evaluated: 2023-06-23. Review status: criteria provided, single submitter. Criteria: Myriad Autosomal Dominant, Autosomal Recessive and X-Linked Classification Criteria (2023). Collection method: clinical testing. Allele origin: unknown.
Comment: This variant is considered pathogenic. This variant creates a termination codon and is predicted to result in premature protein truncation.

Color Diagnostics, LLC DBA Color Health
Classification: Pathogenic for Hereditary cancer-predisposing syndrome. Last evaluated: 2020-11-06. Review status: criteria provided, single submitter. Criteria: ACMG Guidelines, 2015. Collection method: clinical testing. Allele origin: germline.
Comment: This variant deletes 1 nucleotide in exon 4 of the CHEK2 gene, creating a frameshift and premature translation stop signal. This variant is expected to result in an absent or non-functional protein product. To our knowledge, this variant has not been reported in individuals affected with hereditary cancer in the literature. This variant has not been identified in the general population by the Genome Aggregation Database (gnomAD). Loss of CHEK2 function is a known mechanism of disease. Based on the available evidence, this variant is classified as Pathogenic.

Department of Pathology and Laboratory Medicine, Sinai Health System
Classification: Likely pathogenic. Review status: no assertion criteria provided. Collection method: clinical testing. Allele origin: unknown. Affected: yes. Observed: 2 variant alleles. Study: The Canadian Open Genetics Repository (COGR). Not counted in ClinVar's aggregate classification.
Comment: The CHEK2 p.Ile160* variant was not identified in the literature nor was it identified in the dbSNP, ClinVar, Cosmic, or Zhejiang University Database. The variant was not identified in the following control databases: the Exome Aggregation Consortium (August 8th 2016), or the Genome Aggregation Database (Feb 27, 2017). The c.478del variant leads to a premature stop codon at position 160 which is predicted to lead to a truncated or absent protein and loss of function. Loss of function variants of the CHEK2 gene are an established mechanism of disease in CHEK2 associated cancers and is the type of variant expected to cause the disorder. In summary, based on the above information the clinical significance of this variant cannot be determined with certainty at this time although we would lean towards a more pathogenic role for this variant. This variant is classified as likely pathogenic.

Literature cited by the submitters: PubMed 21876083 (cited by Labcorp Genetics (formerly Invitae), Labcorp); PubMed 24713400 (cited by Labcorp Genetics (formerly Invitae), Labcorp).

NM_007194.4(CHEK2):c.478del (p.Tyr159_Ile160insTer)

Gene: CHEK2 (checkpoint kinase 2; minus strand). Cytogenetic location: 22q12.1.
Variant type: Deletion.
Coding change: c.478del on transcript NM_007194.4 (MANE Select); coding-DNA position 478, one base deleted (A; older notation c.478delA).
Protein change: p.Tyr159_Ile160insTer.
Molecular consequence: nonsense. On other transcripts: 5 prime UTR variant (2), intron variant (1).
Genome position (GRCh38, 1-based): chr22:28,725,091, T deleted on the plus strand (A on the coding strand, the reverse complement: CHEK2 is on the minus strand). VCF-style (leftmost placement, unchanged base first): chr22-28725090-AT-A. GRCh37 (hg19) VCF-style: chr22-29121078-AT-A.
Other names: c.478del (NM_007194.3); c.607del, p.Tyr202_Ile203insTer (NM_001005735.3, NM_001438294.1); c.-300del (NM_001257387.3); c.-186del (NM_001437942.1); c.571del, p.Tyr190_Ile191insTer (NM_001438293.1, NM_001438295.1); c.478del, p.Tyr159_Ile160insTer (NM_145862.3); c.444+152del (NM_001349956.3).
Identifiers: ClinVar variation 486838 (VCV000486838.17), dbSNP rs1225437533, ClinGen allele CA514168934.
Genomic context (GRCh38, chr22:28,725,090, plus strand): 5'-CGTTTTCCTTTCCCTACAAGCTCTGTATTTACAAAGGTTCCATTGCCACTGTGATCTTCT[AT>A]GTATGCAATGTAAGAGTTTTTAGGACCCACTTCCTAAAATAGAGAACATTTTGTTTCAGA-3'